The following is an entry in ClinVar:

NM_001203.3(BMPR1B):c.783C>A (p.Phe261Leu)

Gene: BMPR1B (bone morphogenetic protein receptor type 1B; plus strand). Cytogenetic location: 4q22.3.
Variant type: single nucleotide variant.
Coding change: c.783C>A on transcript NM_001203.3 (MANE Select); coding-DNA position 783, C replaced by A.
Protein change: p.Phe261Leu; replaces phenylalanine 261 with leucine.
Molecular consequence: missense variant.
Genome position (GRCh38, 1-based): chr4:95,131,219, C>A. VCF-style: chr4-95131219-C-A. GRCh37 (hg19) VCF-style: chr4-96052370-C-A.
Other names: c.783C>A, p.Phe261Leu (NM_001256792.2, NM_001256794.1); c.873C>A, p.Phe291Leu (NM_001256793.2); short protein forms F261L, F291L.
Identifiers: ClinVar variation 5006811 (VCV005006811.2).

ClinVar aggregate classification (germline): Uncertain significance (1 of 4 stars; one submission).

Conditions:
Type A2 brachydactyly (BDA2). Also called: BRACHYMESOPHALANGY II; MOHR-WRIEDT TYPE BRACHYDACTYLY; Brachymesophalangy type 2. Identifiers: Orphanet 93396, MedGen C1832702, MONDO:0007216, OMIM 112600, HP:0009372.
Acromesomelic dysplasia 3 (AMD3). Also called: Acromesomelic dysplasia, Demirhan type; CHONDRODYSPLASIA, ACROMESOMELIC, WITH OR WITHOUT GENITAL ANOMALIES. Identifiers: MedGen C4225404, MONDO:0012274, OMIM 609441.
Brachydactyly type A1D. Also called: Brachydactyly, type a1, d. Identifiers: Orphanet 93388, MedGen C4225183, MONDO:0014798, OMIM 616849.

gnomAD v4.1: 4 of 1,613,492 alleles (0.00025%); highest among the groups gnomAD compares: Non-Finnish European, 0.00034%; no homozygotes.

Submission:

Juno Genomics, Hangzhou Juno Genomics, Inc
Classification: Uncertain significance for Acromesomelic dysplasia 3; Brachydactyly type A1D; Type A2 brachydactyly. Review status: criteria provided, single submitter. Criteria: ACMG Guidelines, 2015. Collection method: clinical testing. Allele origin: germline.
Comment: Absent from controls (or at extremely low frequency if recessive) in Genome Aggregation Database.;Multiple lines of computational evidence support a deleterious effect on the gene or gene product.